The following is an entry in ClinVar:

ClinVar aggregate classification (germline): Pathogenic (1 of 4 stars; one submission).

Submission:

Labcorp Genetics (formerly Invitae), Labcorp
Classification: Pathogenic. Last evaluated: 2022-02-09. Review status: criteria provided, single submitter. Criteria: Invitae Variant Classification Sherloc (09022015). Collection method: clinical testing. Allele origin: germline.
Comment: For these reasons, this variant has been classified as Pathogenic. This variant has not been reported in the literature in individuals affected with PIEZO2-related conditions. This variant is not present in population databases (gnomAD no frequency). This sequence change creates a premature translational stop signal (p.Trp1211*) in the PIEZO2 gene. It is expected to result in an absent or disrupted protein product. Loss-of-function variants in PIEZO2 are known to be pathogenic (PMID: 27653382, 27843126).

Literature cited by the submitters: PubMed 27653382; PubMed 27843126.

NM_001378183.1(PIEZO2):c.3707G>A (p.Trp1236Ter)

Gene: PIEZO2 (piezo type mechanosensitive ion channel component 2; minus strand). Cytogenetic location: 18p11.22.
Variant type: single nucleotide variant.
Coding change: c.3707G>A on transcript NM_001378183.1 (MANE Select); coding-DNA position 3707, G replaced by A.
Protein change: p.Trp1236Ter; replaces tryptophan 1236 with a stop codon.
Molecular consequence: nonsense.
Genome position (GRCh38, 1-based): chr18:10,759,532, C>T on the plus strand (G>A on the coding strand, the complement: PIEZO2 is on the minus strand). VCF-style: chr18-10759532-C-T. GRCh37 (hg19) VCF-style: chr18-10759530-C-T.
Other names: c.3632G>A, p.Trp1211Ter (NM_022068.4); short protein forms W1211*, W1236*.
Identifiers: ClinVar variation 1447474 (VCV001447474.6), dbSNP rs2143843115, ClinGen allele CA401921648.